The following is an entry in ClinVar:

NM_020843.4(SCAPER):c.2448C>A (p.His816Gln)

Gene: SCAPER (S-phase cyclin A associated protein in the ER; minus strand). Cytogenetic location: 15q24.3.
Variant type: single nucleotide variant.
Coding change: c.2448C>A on transcript NM_020843.4 (MANE Select); coding-DNA position 2448, C replaced by A.
Protein change: p.His816Gln; replaces histidine 816 with glutamine.
Molecular consequence: missense variant. On other transcripts: non-coding transcript variant (1).
Genome position (GRCh38, 1-based): chr15:76,701,818, G>T on the plus strand (C>A on the coding strand, the complement: SCAPER is on the minus strand). VCF-style: chr15-76701818-G-T. GRCh37 (hg19) VCF-style: chr15-76994159-G-T.
Other names: c.1710C>A, p.His570Gln (NM_001145923.2); c.2466C>A, p.His822Gln (NM_001353009.2); c.2046C>A, p.His682Gln (NM_001353010.2, NM_001353012.2); c.2064C>A, p.His688Gln (NM_001353011.2); short protein forms H570Q, H822Q, H816Q, H682Q, H688Q.
Identifiers: ClinVar variation 5000388 (VCV005000388.1).
Genomic context (GRCh38, chr15:76,701,818, plus strand): 5'-CACTTCTTCATCTGACAGTTCACGCCCCTGGATGCTGGTATTCTCTCTCACGGCTTGCTG[G>T]TGTTTTCTCCCTTTAACATGGCTAAAAAGATATACCTCTGAAGAGATCTGAAAGCACAAA-3'
Protein context (NP_065894.2, residues 806-826): YLFSHVKGRK[His816Gln]QQAVRENTSI

ClinVar aggregate classification (germline): Uncertain significance (1 of 4 stars; one submission).

Conditions:
SCAPER-related disorder. Also called: SCAPER-related condition.

gnomAD v4.1: 1 of 1,613,762 alleles (0.000062%); highest among the groups gnomAD compares: Non-Finnish European, 0.000085%; no homozygotes.

Submission:

PreventionGenetics, part of Exact Sciences
Classification: Uncertain significance for SCAPER-related condition. Last evaluated: 2025-03-12. Review status: criteria provided, single submitter. Criteria: ACMG Guidelines, 2015. Collection method: clinical testing. Allele origin: germline.
Comment: The SCAPER c.2466C>A variant is predicted to result in the amino acid substitution p.His822Gln. To our knowledge, this variant has not been reported in the literature or in a large population database (gnomAD), indicating this variant is rare. At this time, the clinical significance of this variant is uncertain due to the absence of conclusive functional and genetic evidence.